The following is an entry in ClinVar:

ClinVar aggregate classification (germline): Uncertain significance. Review status: criteria provided, multiple submitters, no conflicts (2 of 4 stars). 2 submissions from 2 submitters: Uncertain significance (2). Last evaluated 2023-10-24.

Conditions:
Brugada syndrome 5 (BRGDA5). Identifiers: Orphanet 130, Orphanet 871, MedGen C2748541, MONDO:0013015, OMIM 612838.

gnomAD v4.1: 2 of 1,612,736 alleles (0.00012%); highest among the groups gnomAD compares: Non-Finnish European, 0.00017%; no homozygotes.

Submissions (2):

Labcorp Genetics (formerly Invitae), Labcorp
Classification: Uncertain significance for Brugada syndrome 5. Last evaluated: 2023-10-24. Review status: criteria provided, single submitter. Criteria: Invitae Variant Classification Sherloc (09022015). Collection method: clinical testing. Allele origin: germline.
Comment: The SCN1B gene has multiple clinically relevant transcripts. This variant occurs in alternate transcript NM_001037.5, and corresponds to NM_199037.3:c.*5160C>A in the primary transcript. This sequence change replaces alanine, which is neutral and non-polar, with aspartic acid, which is acidic and polar, at codon 197 of the SCN1B protein (p.Ala197Asp). This variant is not present in population databases (gnomAD no frequency). This missense change has been observed in individual(s) with Brugada syndrome (PMID: 25253298). Experimental studies and prediction algorithms are not available or were not evaluated, and the functional significance of this variant is currently unknown. In summary, the available evidence is currently insufficient to determine the role of this variant in disease. Therefore, it has been classified as a Variant of Uncertain Significance.

GeneDx
Classification: Uncertain significance. Last evaluated: 2023-03-19. Review status: criteria provided, single submitter. Criteria: GeneDx Variant Classification Process June 2021. Collection method: clinical testing. Allele origin: germline. Affected: yes.
Comment: Reported previously in a patient with Brugada syndrome; however, no segregation information was provided (Ricci et al., 2014); Not observed at significant frequency in large population cohorts (gnomAD); In silico analysis supports that this missense variant has a deleterious effect on protein structure/function; This variant is associated with the following publications: (PMID: 30483629, Rocha_2019, 30821013, 25253298)

Literature cited by the submitters: PubMed 25253298 (cited by Labcorp Genetics (formerly Invitae), Labcorp).

NM_001037.5(SCN1B):c.590C>A (p.Ala197Asp)

Gene: SCN1B (sodium voltage-gated channel beta subunit 1; plus strand). Cytogenetic location: 19q13.11.
Variant type: single nucleotide variant.
Coding change: c.590C>A on transcript NM_001037.5 (MANE Select); coding-DNA position 590, C replaced by A.
Protein change: p.Ala197Asp; replaces alanine 197 with aspartic acid.
Molecular consequence: missense variant.
Genome position (GRCh38, 1-based): chr19:35,039,258, C>A. VCF-style: chr19-35039258-C-A. GRCh37 (hg19) VCF-style: chr19-35530162-C-A.
Other names: c.491C>A, p.Ala164Asp (NM_001321605.2); short protein forms A164D, A197D.
Identifiers: ClinVar variation 2580376 (VCV002580376.4), dbSNP rs554201948, ClinGen allele CA405330199.